The following is an entry in ClinVar:

ClinVar aggregate classification (germline): Uncertain significance (1 of 4 stars; one submission).

Allele frequency attached by ClinVar (database versions not stated): gnomAD exomes below 0.00001; ExAC 0.00001; gnomAD 0.00002; TOPMed 0.00002.
gnomAD v4.1: 4 of 1,613,884 alleles (0.00025%); highest among the groups gnomAD compares: East Asian, 0.0089%; no homozygotes.

Submission:

GeneDx
Classification: Uncertain significance. Last evaluated: 2022-12-05. Review status: criteria provided, single submitter. Criteria: GeneDx Variant Classification Process June 2021. Collection method: clinical testing. Allele origin: germline. Affected: yes.
Comment: In silico analysis supports that this missense variant has a deleterious effect on protein structure/function; Has not been previously published as pathogenic or benign to our knowledge

NM_014956.5(CEP164):c.59A>C (p.Glu20Ala)

Gene: CEP164 (centrosomal protein 164; plus strand). Cytogenetic location: 11q23.3.
Variant type: single nucleotide variant.
Coding change: c.59A>C on transcript NM_014956.5 (MANE Select); coding-DNA position 59, A replaced by C.
Protein change: p.Glu20Ala; replaces glutamic acid 20 with alanine.
Molecular consequence: missense variant.
Genome position (GRCh38, 1-based): chr11:117,338,645, A>C. VCF-style: chr11-117338645-A-C. GRCh37 (hg19) VCF-style: chr11-117209361-A-C.
Other names: c.59A>C, p.Glu20Ala (NM_001271933.2); short protein forms E20A.
Identifiers: ClinVar variation 2504441 (VCV002504441.1), dbSNP rs767865652, ClinGen allele CA6294308.
Genomic context (GRCh38, chr11:117,338,645, plus strand): 5'-TCATGGCTGGACGACCCCTCCGCATAGGAGATCAGCTGGTTCTGGAAGAAGATTATGATG[A>C]GACCTACATTCCTAGTGAGCAAGGTAACAAGTCTGTGAAGAGGCCTGTGGTGTATTGTGT-3'
Protein context (NP_055771.4, residues 10-30): DQLVLEEDYD[Glu20Ala]TYIPSEQEIL